The following is an entry in ClinVar:

NM_000834.5(GRIN2B):c.4268C>T (p.Ala1423Val)

Gene: GRIN2B (glutamate ionotropic receptor NMDA type subunit 2B; minus strand). Cytogenetic location: 12p13.1.
Variant type: single nucleotide variant.
Coding change: c.4268C>T on transcript NM_000834.5 (MANE Select); coding-DNA position 4268, C replaced by T.
Protein change: p.Ala1423Val; replaces alanine 1423 with valine.
Molecular consequence: missense variant.
Genome position (GRCh38, 1-based): chr12:13,562,970, G>A on the plus strand (C>T on the coding strand, the complement: GRIN2B is on the minus strand). VCF-style: chr12-13562970-G-A. GRCh37 (hg19) VCF-style: chr12-13715904-G-A.
Other names: short protein forms A1423V.
Identifiers: ClinVar variation 1026066 (VCV001026066.9), dbSNP rs1948568535, ClinGen allele CA383985701.

ClinVar aggregate classification (germline): Uncertain significance (1 of 4 stars; one submission).

Conditions:
Developmental and epileptic encephalopathy, 27 (DEE27). Also called: GRIN2B-Related Neurodevelopmental Disorder; Epileptic encephalopathy, early infantile, 27. Identifiers: Orphanet 3451, MedGen C4015316, MONDO:0014505, OMIM 616139.
Intellectual developmental disorder, autosomal dominant 6, with or without seizures. Also called: Intellectual disability, autosomal dominant 6; GRIN2B-related developmental delay, intellectual disability and autism spectrum disorder. Identifiers: Orphanet 589547, MedGen C3151411, MONDO:0013509, OMIM 613970.

Submission:

Labcorp Genetics (formerly Invitae), Labcorp
Classification: Uncertain significance for Developmental and epileptic encephalopathy, 27; Intellectual developmental disorder, autosomal dominant 6, with or without seizures. Last evaluated: 2020-03-04. Review status: criteria provided, single submitter. Criteria: Invitae Variant Classification Sherloc (09022015). Collection method: clinical testing. Allele origin: germline.
Comment: This sequence change replaces alanine with valine at codon 1423 of the GRIN2B protein (p.Ala1423Val). The alanine residue is highly conserved and there is a small physicochemical difference between alanine and valine. This variant is not present in population databases (ExAC no frequency). In summary, the available evidence is currently insufficient to determine the role of this variant in disease. Therefore, it has been classified as a Variant of Uncertain Significance. Algorithms developed to predict the effect of missense changes on protein structure and function are either unavailable or do not agree on the potential impact of this missense change (SIFT: "Deleterious"; PolyPhen-2: "Benign"; Align-GVGD: "Class C0"). This variant has not been reported in the literature in individuals with GRIN2B-related conditions.